The following is an entry in ClinVar:

ClinVar aggregate classification (germline): Conflicting classifications of pathogenicity. Review status: criteria provided, conflicting classifications (1 of 4 stars). 5 submissions from 5 submitters: Uncertain significance (3); Likely benign (2). Last evaluated 2026-01-19.

Conditions:
Familial thoracic aortic aneurysm and aortic dissection (TAAD). Also called: Thoracic aortic aneurysms and dissections. Identifiers: Orphanet 91387, MedGen C4707243, MONDO:0019625.
Ehlers-Danlos syndrome, kyphoscoliotic type 1 (EDSKSCL1). Also called: EHLERS-DANLOS SYNDROME, TYPE VIA; Ehlers-Danlos syndrome, hydroxylysine-deficient; EHLERS-DANLOS SYNDROME, OCULAR-SCOLIOTIC TYPE; PLOD1-Related Kyphoscoliotic Ehlers-Danlos Syndrome. Identifiers: Orphanet 1900, MedGen C0268342, MONDO:0016002, OMIM 225400. Disease mechanism: loss of function.

Allele frequency attached by ClinVar (database versions not stated): gnomAD exomes 0.00001 and 0.00003; ExAC 0.00008; ESP Exome Variant Server 0.00019; 1000 Genomes Project 0.00020; gnomAD 0.00029 and 0.00032; TOPMed 0.00030; 1000 Genomes Project 30x 0.00031.
gnomAD v4.1: 65 of 1,540,198 alleles (0.0042%); highest among the groups gnomAD compares: African/African-American, 0.074%; no homozygotes.

Submissions (5):

Labcorp Genetics (formerly Invitae), Labcorp
Classification: Likely benign for Ehlers-Danlos syndrome, kyphoscoliotic type 1. Last evaluated: 2026-01-19. Review status: criteria provided, single submitter. Criteria: Invitae Variant Classification Sherloc (09022015). Collection method: clinical testing. Allele origin: germline.

Molecular Diagnostic Laboratory for Inherited Cardiovascular Disease, Montreal Heart Institute
Classification: Likely benign. Last evaluated: 2025-04-09. Review status: criteria provided, single submitter. Criteria: ACMG Guidelines, 2015. Collection method: clinical testing. Allele origin: germline. Affected: no.
Comment: BP1, BP4

GeneDx
Classification: Uncertain significance. Last evaluated: 2023-08-09. Review status: criteria provided, single submitter. Criteria: GeneDx Variant Classification Process June 2021. Collection method: clinical testing. Allele origin: germline. Affected: yes.
Comment: Has not been previously published as pathogenic or benign to our knowledge; In silico analysis supports that this missense variant does not alter protein structure/function

Women's Health and Genetics/Laboratory Corporation of America, LabCorp
Classification: Uncertain significance. Last evaluated: 2023-07-21. Review status: criteria provided, single submitter. Criteria: LabCorp Variant Classification Summary - May 2015. Collection method: clinical testing. Allele origin: germline.

Ambry Genetics
Classification: Uncertain significance for Familial thoracic aortic aneurysm and aortic dissection. Last evaluated: 2023-03-11. Review status: criteria provided, single submitter. Criteria: Ambry Variant Classification Scheme 2023. Collection method: clinical testing. Allele origin: germline.
Comment: The p.A18T variant (also known as c.52G>A), located in coding exon 1 of the PLOD1 gene, results from a G to A substitution at nucleotide position 52. The alanine at codon 18 is replaced by threonine, an amino acid with similar properties. This amino acid position is not well conserved in available vertebrate species, and threonine is the reference amino acid in other vertebrate species. In addition, this alteration is predicted to be tolerated by in silico analysis. Since supporting evidence is limited at this time, the clinical significance of this alteration remains unclear.

NM_000302.4(PLOD1):c.52G>A (p.Ala18Thr)

Gene: PLOD1 (procollagen-lysine,2-oxoglutarate 5-dioxygenase 1; plus strand). Cytogenetic location: 1p36.22.
Variant type: single nucleotide variant.
Coding change: c.52G>A on transcript NM_000302.4 (MANE Select); coding-DNA position 52, G replaced by A.
Protein change: p.Ala18Thr; replaces alanine 18 with threonine.
Molecular consequence: missense variant.
Genome position (GRCh38, 1-based): chr1:11,934,831, G>A. VCF-style: chr1-11934831-G-A. GRCh37 (hg19) VCF-style: chr1-11994888-G-A.
Other names: c.52G>A, p.Ala18Thr (NM_001316320.2); short protein forms A18T.
Identifiers: ClinVar variation 459820 (VCV000459820.14), dbSNP rs373165011, ClinGen allele CA597711.